The following is an entry in ClinVar:

ClinVar aggregate classification (germline): Uncertain significance (1 of 4 stars; one submission).

Conditions:
Charcot-Marie-Tooth disease, type I (CMT1). Also called: Charcot-Marie-Tooth, Type 1; Charcot-Marie-Tooth disease type 1. Identifiers: Orphanet 65753, MedGen C0751036, MONDO:0019011.

Submission:

Labcorp Genetics (formerly Invitae), Labcorp
Classification: Uncertain significance for Charcot-Marie-Tooth disease, type I. Last evaluated: 2024-03-29. Review status: criteria provided, single submitter. Criteria: Invitae Variant Classification Sherloc (09022015). Collection method: clinical testing. Allele origin: germline.
Comment: This sequence change replaces alanine, which is neutral and non-polar, with aspartic acid, which is acidic and polar, at codon 115 of the PMP22 protein (p.Ala115Asp). This variant is not present in population databases (gnomAD no frequency). This variant has not been reported in the literature in individuals affected with PMP22-related conditions. Advanced modeling of protein sequence and biophysical properties (such as structural, functional, and spatial information, amino acid conservation, physicochemical variation, residue mobility, and thermodynamic stability) performed at Invitae indicates that this missense variant is not expected to disrupt PMP22 protein function with a negative predictive value of 95%. In summary, the available evidence is currently insufficient to determine the role of this variant in disease. Therefore, it has been classified as a Variant of Uncertain Significance.

NM_000304.4(PMP22):c.344C>A (p.Ala115Asp)

Gene: PMP22 (peripheral myelin protein 22; minus strand). Cytogenetic location: 17p12.
Variant type: single nucleotide variant.
Coding change: c.344C>A on transcript NM_000304.4 (MANE Select); coding-DNA position 344, C replaced by A.
Protein change: p.Ala115Asp; replaces alanine 115 with aspartic acid.
Molecular consequence: missense variant. On other transcripts: non-coding transcript variant (2).
Genome position (GRCh38, 1-based): chr17:15,231,056, G>T on the plus strand (C>A on the coding strand, the complement: PMP22 is on the minus strand). VCF-style: chr17-15231056-G-T. GRCh37 (hg19) VCF-style: chr17-15134373-G-T.
Other names: c.344C>A, p.Ala115Asp (NM_001281455.2, NM_001281456.2, NM_153321.3 and 1 more transcripts); short protein forms A115D.
Identifiers: ClinVar variation 3634465 (VCV003634465.2).